The following is an entry in ClinVar:

NM_004136.4(IREB2):c.822C>T (p.Asp274=)

Gene: IREB2 (iron responsive element binding protein 2; plus strand). Cytogenetic location: 15q25.1.
Variant type: single nucleotide variant.
Coding change: c.822C>T on transcript NM_004136.4 (MANE Select); coding-DNA position 822, C replaced by T.
Protein change: p.Asp274=; no amino-acid change (aspartic acid 274 retained).
Molecular consequence: synonymous variant.
Genome position (GRCh38, 1-based): chr15:78,471,863, C>T. VCF-style: chr15-78471863-C-T. GRCh37 (hg19) VCF-style: chr15-78764205-C-T.
Other names: c.72C>T, p.Asp24= (NM_001320941.2); c.651C>T, p.Asp217= (NM_001320942.2, NM_001354994.2); c.822C>T, p.Asp274= (NM_001320943.2).
Identifiers: ClinVar variation 2645611 (VCV002645611.24), dbSNP rs2051384573, ClinGen allele CA491621257.

ClinVar aggregate classification (germline): Uncertain significance (1 of 4 stars; one submission).

Allele frequency attached by ClinVar (database versions not stated): gnomAD exomes 0.00001; TOPMed 0.00001.
gnomAD v4.1: 7 of 1,613,626 alleles (0.00043%); highest among the groups gnomAD compares: Non-Finnish European, 0.00059%; no homozygotes.

Submission:

CeGaT Center for Human Genetics Tuebingen
Classification: Uncertain significance. Last evaluated: 2023-10-01. Review status: criteria provided, single submitter. Criteria: CeGaT Center For Human Genetics Tuebingen Variant Classification Criteria Version 2. Collection method: clinical testing. Allele origin: germline. Affected: yes. Observed: 1 variant allele.
Comment: IREB2: PM2:Supporting, BP4